The following is an entry in ClinVar:

ClinVar aggregate classification (germline): Benign/Likely benign. Review status: criteria provided, multiple submitters, no conflicts (2 of 4 stars). 5 submissions from 5 submitters: Benign (2); Likely benign (2). 1 of the submissions does not count toward it. Last evaluated 2026-05-27.

Conditions:
Inborn genetic diseases. Identifiers: MedGen C0950123, MeSH D030342.
LAMA1-related disorder. Also called: LAMA1-related condition; LAMA1-related disorders.

Allele frequency attached by ClinVar (database versions not stated): TOPMed 0.00018; 1000 Genomes Project 30x 0.00125; 1000 Genomes Project 0.00160.
gnomAD v4.1: 471 of 1,613,852 alleles (0.029%); highest among the groups gnomAD compares: East Asian, 0.92%; 8 homozygotes.

Submissions (5):

Women's Health and Genetics/Laboratory Corporation of America, LabCorp
Classification: Likely benign. Last evaluated: 2026-05-27. Review status: criteria provided, single submitter. Criteria: LabCorp Variant Classification Summary - May 2015. Collection method: clinical testing. Allele origin: germline.
Comment: Variant summary: LAMA1 c.3215G>T (p.Arg1072Leu) results in a non-conservative amino acid change in the encoded protein sequence. Algorithms developed to predict the effect of missense changes on protein structure and function are either unavailable or do not agree on the potential impact of this missense change. The variant allele was found at a frequency of 0.00029 in 250346 control chromosomes in the gnomAD database, including 1 homozygotes (gnomAD v2). A total of 8 homozygotes of this variant was reported in the gnomAD v4 database. To our knowledge, no occurrence of c.3215G>T in individuals affected with LAMA1-related conditions and no experimental evidence demonstrating its impact on protein function have been reported. ClinVar contains an entry for this variant (Variation ID: 717410). Based on the evidence outlined above, the variant was classified as likely benign.

Labcorp Genetics (formerly Invitae), Labcorp
Classification: Benign. Last evaluated: 2025-10-27. Review status: criteria provided, single submitter. Criteria: Invitae Variant Classification Sherloc (09022015). Collection method: clinical testing. Allele origin: germline.

Ambry Genetics
Classification: Likely benign for Inborn genetic diseases. Last evaluated: 2025-08-23. Review status: criteria provided, single submitter. Criteria: Ambry Variant Classification Scheme 2023. Collection method: clinical testing. Allele origin: germline.

Blueprint Genetics
Classification: Benign. Last evaluated: 2024-08-09. Review status: criteria provided, single submitter. Criteria: ACMG Guidelines, 2015. Collection method: clinical testing. Allele origin: germline.

PreventionGenetics, part of Exact Sciences
Classification: Likely benign for LAMA1-related condition. Last evaluated: 2020-10-27. Review status: no assertion criteria provided. Collection method: clinical testing. Allele origin: germline. Not counted in ClinVar's aggregate classification.
Comment: This variant is classified as likely benign based on ACMG/AMP sequence variant interpretation guidelines (Richards et al. 2015 PMID: 25741868, with internal and published modifications).

NM_005559.4(LAMA1):c.3215G>T (p.Arg1072Leu)

Gene: LAMA1 (laminin subunit alpha 1; minus strand). Cytogenetic location: 18p11.31.
Variant type: single nucleotide variant.
Coding change: c.3215G>T on transcript NM_005559.4 (MANE Select); coding-DNA position 3215, G replaced by T.
Protein change: p.Arg1072Leu; replaces arginine 1072 with leucine.
Molecular consequence: missense variant.
Genome position (GRCh38, 1-based): chr18:7,013,963, C>A on the plus strand (G>T on the coding strand, the complement: LAMA1 is on the minus strand). VCF-style: chr18-7013963-C-A. GRCh37 (hg19) VCF-style: chr18-7013962-C-A.
Other names: short protein forms R1072L.
Identifiers: ClinVar variation 717410 (VCV000717410.15), dbSNP rs118089415, ClinGen allele CA8882352.
Genomic context (GRCh38, chr18:7,013,963, plus strand): 5'-CAGTCACAGGGAACACAGTCGGGAAAGTCTCTGTAACCCAAGGAACACTGATCGCAGGCC[C>A]GGCCACCAAATTTTGACTTGCACTGGCAATGGCCGGTGACCACATCGCACCGATGATGAG-3'
Protein context (NP_005550.2, residues 1062-1082): HCQCKSKFGG[Arg1072Leu]ACDQCSLGYR